The following is an entry in ClinVar:

NM_181789.4(GLDN):c.1469T>C (p.Met490Thr)

Gene: GLDN (gliomedin; plus strand). Cytogenetic location: 15q21.2.
Variant type: single nucleotide variant.
Coding change: c.1469T>C on transcript NM_181789.4 (MANE Select); coding-DNA position 1469, T replaced by C.
Protein change: p.Met490Thr; replaces methionine 490 with threonine.
Molecular consequence: missense variant.
Genome position (GRCh38, 1-based): chr15:51,404,567, T>C. VCF-style: chr15-51404567-T-C. GRCh37 (hg19) VCF-style: chr15-51696764-T-C.
Other names: c.1097T>C, p.Met366Thr (NM_001330297.2); short protein forms M366T, M490T.
Identifiers: ClinVar variation 4980698 (VCV004980698.1).

ClinVar aggregate classification (germline): Likely benign (1 of 4 stars; one submission).

Conditions:
GLDN-related disorder. Also called: GLDN-related condition.

gnomAD v4.1: 207 of 1,614,186 alleles (0.013%); highest among the groups gnomAD compares: African/African-American, 0.23%; no homozygotes.

Submission:

PreventionGenetics, part of Exact Sciences
Classification: Likely benign for GLDN-related condition. Last evaluated: 2024-10-29. Review status: criteria provided, single submitter. Criteria: ACMG Guidelines, 2015. Collection method: clinical testing. Allele origin: germline.
Comment: This variant is classified as likely benign based on ACMG/AMP sequence variant interpretation guidelines (Richards et al. 2015 PMID: 25741868, with internal and published modifications).